The following is an entry in ClinVar:

NM_004385.5(VCAN):c.4730G>C (p.Ser1577Thr)

Genes: VCAN (versican; plus strand), VCAN-AS1 (VCAN antisense RNA 1; minus strand). Cytogenetic location: 5q14.3.
Variant type: single nucleotide variant.
Coding change: c.4730G>C on transcript NM_004385.5 (MANE Select); coding-DNA position 4730, G replaced by C.
Protein change: p.Ser1577Thr; replaces serine 1577 with threonine.
Molecular consequence: missense variant. On other transcripts: intron variant (2).
Genome position (GRCh38, 1-based): chr5:83,537,733, G>C. VCF-style: chr5-83537733-G-C. GRCh37 (hg19) VCF-style: chr5-82833552-G-C.
Other names: c.1769G>C, p.Ser590Thr (NM_001164097.2); c.4004-7804G>C (NM_001164098.2); c.1043-7804G>C (NM_001126336.3); short protein forms S1577T, S590T.
Identifiers: ClinVar variation 1398276 (VCV001398276.6), dbSNP rs35443373, ClinGen allele CA3333217.

ClinVar aggregate classification (germline): Uncertain significance (1 of 4 stars; one submission).

Allele frequency attached by ClinVar (database versions not stated): ESP Exome Variant Server 0.00008.
gnomAD v4.1: 9 of 1,613,950 alleles (0.00056%); highest among the groups gnomAD compares: Non-Finnish European, 0.00076%; no homozygotes.

Submission:

Labcorp Genetics (formerly Invitae), Labcorp
Classification: Uncertain significance. Last evaluated: 2022-03-26. Review status: criteria provided, single submitter. Criteria: Invitae Variant Classification Sherloc (09022015). Collection method: clinical testing. Allele origin: germline.
Comment: In summary, the available evidence is currently insufficient to determine the role of this variant in disease. Therefore, it has been classified as a Variant of Uncertain Significance. Algorithms developed to predict the effect of missense changes on protein structure and function output the following: SIFT: "Deleterious"; PolyPhen-2: "Benign"; Align-GVGD: "Class C55". The threonine amino acid residue is found in multiple mammalian species, which suggests that this missense change does not adversely affect protein function. This variant has not been reported in the literature in individuals affected with VCAN-related conditions. This variant is present in population databases (rs35443373, gnomAD 0.0009%). This sequence change replaces serine, which is neutral and polar, with threonine, which is neutral and polar, at codon 1577 of the VCAN protein (p.Ser1577Thr).